The following is an entry in ClinVar:

ClinVar aggregate classification (germline): Uncertain significance (1 of 4 stars; one submission).

Conditions:
Hereditary cancer-predisposing syndrome. Also called: Neoplastic Syndromes, Hereditary; Tumor predisposition; Hereditary neoplastic syndrome; Hereditary Cancer Syndrome. Identifiers: Orphanet 140162, MedGen C0027672, MeSH D009386, MONDO:0015356.

Submission:

Ambry Genetics
Classification: Uncertain significance for Hereditary cancer-predisposing syndrome. Last evaluated: 2019-11-22. Review status: criteria provided, single submitter. Criteria: Ambry Variant Classification Scheme 2023. Collection method: clinical testing. Allele origin: germline.
Comment: The p.M178L variant (also known as c.532A>T), located in coding exon 6 of the RAD51D gene, results from an A to T substitution at nucleotide position 532. The methionine at codon 178 is replaced by leucine, an amino acid with highly similar properties. This amino acid position is well conserved in available vertebrate species. In addition, this alteration is predicted to be tolerated by in silico analysis. Since supporting evidence is limited at this time, the clinical significance of this alteration remains unclear.

NM_002878.4(RAD51D):c.532A>T (p.Met178Leu)

Genes: RAD51D (RAD51 paralog D; minus strand), RAD51L3-RFFL (RAD51L3-RFFL readthrough; minus strand). Cytogenetic location: 17q12.
Variant type: single nucleotide variant.
Coding change: c.532A>T on transcript NM_002878.4 (MANE Select); coding-DNA position 532, A replaced by T.
Protein change: p.Met178Leu; replaces methionine 178 with leucine.
Molecular consequence: missense variant. On other transcripts: non-coding transcript variant (3).
Genome position (GRCh38, 1-based): chr17:35,106,430, T>A on the plus strand (A>T on the coding strand, the complement: RAD51D is on the minus strand). VCF-style: chr17-35106430-T-A. GRCh37 (hg19) VCF-style: chr17-33433449-T-A.
Other names: c.592A>T, p.Met198Leu (NM_001142571.2); c.196A>T, p.Met66Leu (NM_133629.3); short protein forms M198L, M66L, M178L.
Identifiers: ClinVar variation 825655 (VCV000825655.4), dbSNP rs786202505, ClinGen allele CA399088757.
Genomic context (GRCh38, chr17:35,106,430, plus strand): 5'-AGAACAGCAGGCTCACCTGCTGGGCCACAGTGCCTCGGAGCTCCTGCAGCACATCCAGCA[T>A]CTGGAAGATGTCAAATGCATGCACCACCTGGATCCTCCGGAGAGCTTCTGCCTGAAGCGG-3'
Protein context (NP_002869.3, residues 168-188): QVVHAFDIFQ[Met178Leu]LDVLQELRGT